The following is an entry in ClinVar:

NM_001130987.2(DYSF):c.346G>A (p.Ala116Thr)

Gene: DYSF (dysferlin; plus strand). Cytogenetic location: 2p13.2.
Variant type: single nucleotide variant.
Coding change: c.346G>A on transcript NM_001130987.2 (MANE Select); coding-DNA position 346, G replaced by A.
Protein change: p.Ala116Thr; replaces alanine 116 with threonine.
Molecular consequence: missense variant.
Genome position (GRCh38, 1-based): chr2:71,511,807, G>A. VCF-style: chr2-71511807-G-A. GRCh37 (hg19) VCF-style: chr2-71738937-G-A.
Other names: c.346G>A, p.Ala116Thr (NM_001130455.2, NM_001130982.2, NM_001130983.2 and 3 more transcripts); c.343G>A, p.Ala115Thr (NM_001130976.2, NM_001130977.2, NM_001130978.2 and 4 more transcripts); short protein forms A116T, A115T.
Identifiers: ClinVar variation 579035 (VCV000579035.14), dbSNP rs748951363, ClinGen allele CA49756314.

ClinVar aggregate classification (germline): Uncertain significance. Review status: criteria provided, multiple submitters, no conflicts (2 of 4 stars). 6 submissions from 6 submitters: Uncertain significance (5). 1 of the submissions does not count toward it. Last evaluated 2025-08-08.

Conditions:
Neuromuscular disease caused by qualitative or quantitative defects of dysferlin. Also called: Qualitative or quantitative defects of dysferlin; Dysferlinopathy. Identifiers: Orphanet 207073, MedGen C2931687, MONDO:0016145.
Inborn genetic diseases. Identifiers: MedGen C0950123, MeSH D030342.
Autosomal recessive limb-girdle muscular dystrophy type 2B (LGMDR2). Also called: Limb-Girdle Muscular Dystrophy Type 2B (LGMD2B); MUSCULAR DYSTROPHY, LIMB-GIRDLE, AUTOSOMAL RECESSIVE 2; Limb-girdle muscular dystrophy, type 2B; MUSCULAR DYSTROPHY, LIMB-GIRDLE, TYPE 3. Identifiers: Orphanet 268, MedGen C1850889, MONDO:0009676, OMIM 253601.

Allele frequency attached by ClinVar (database versions not stated): gnomAD exomes 0.00002; TOPMed 0.00002; gnomAD 0.00003.
gnomAD v4.1: 39 of 1,547,798 alleles (0.0025%); highest among the groups gnomAD compares: Non-Finnish European, 0.0031%; no homozygotes.

Submissions (6):

Ambry Genetics
Classification: Uncertain significance for Inborn genetic diseases. Last evaluated: 2025-08-08. Review status: criteria provided, single submitter. Criteria: Ambry Variant Classification Scheme 2023. Collection method: clinical testing. Allele origin: germline.

Blueprint Genetics
Classification: Uncertain significance. Last evaluated: 2024-05-30. Review status: criteria provided, single submitter. Criteria: ACMG Guidelines, 2015. Collection method: clinical testing. Allele origin: germline.

Revvity Omics, Revvity
Classification: Uncertain significance. Last evaluated: 2023-03-08. Review status: criteria provided, single submitter. Criteria: ACMG Guidelines, 2015. Collection method: clinical testing. Allele origin: germline.

Labcorp Genetics (formerly Invitae), Labcorp
Classification: Uncertain significance for Neuromuscular disease caused by qualitative or quantitative defects of dysferlin. Last evaluated: 2022-07-06. Review status: criteria provided, single submitter. Criteria: Invitae Variant Classification Sherloc (09022015). Collection method: clinical testing. Allele origin: germline.
Comment: This sequence change replaces alanine, which is neutral and non-polar, with threonine, which is neutral and polar, at codon 115 of the DYSF protein (p.Ala115Thr). This variant is present in population databases (rs748951363, gnomAD 0.004%). This variant has not been reported in the literature in individuals affected with DYSF-related conditions. ClinVar contains an entry for this variant (Variation ID: 579035). Algorithms developed to predict the effect of missense changes on protein structure and function are either unavailable or do not agree on the potential impact of this missense change (SIFT: "Deleterious"; PolyPhen-2: "Possibly Damaging"; Align-GVGD: "Class C0"). In summary, the available evidence is currently insufficient to determine the role of this variant in disease. Therefore, it has been classified as a Variant of Uncertain Significance.

Eurofins Ntd Llc (ga)
Classification: Uncertain significance. Last evaluated: 2018-06-21. Review status: criteria provided, single submitter. Criteria: EGL ClinVar v180209 classification definitions. Collection method: clinical testing. Allele origin: germline. Observed: 1 variant allele, 1 heterozygote.

Natera, Inc.
Classification: Uncertain significance for Limb-girdle muscular dystrophy type 2B. Last evaluated: 2020-09-15. Review status: no assertion criteria provided. Collection method: clinical testing. Allele origin: germline. Not counted in ClinVar's aggregate classification.